The following is an entry in ClinVar:

NM_001013703.4(EIF2AK4):c.668C>G (p.Ala223Gly)

Gene: EIF2AK4 (eukaryotic translation initiation factor 2 alpha kinase 4; plus strand). Cytogenetic location: 15q15.1.
Variant type: single nucleotide variant.
Coding change: c.668C>G on transcript NM_001013703.4 (MANE Select); coding-DNA position 668, C replaced by G.
Protein change: p.Ala223Gly; replaces alanine 223 with glycine.
Molecular consequence: missense variant.
Genome position (GRCh38, 1-based): chr15:39,955,693, C>G. VCF-style: chr15-39955693-C-G. GRCh37 (hg19) VCF-style: chr15-40247894-C-G.
Other names: short protein forms A223G.
Identifiers: ClinVar variation 618618 (VCV000618618.11), dbSNP rs199807868, ClinGen allele CA7473590.

ClinVar aggregate classification (germline): Conflicting classifications of pathogenicity. Review status: criteria provided, conflicting classifications (1 of 4 stars). 2 submissions from 2 submitters: Uncertain significance (1); Likely benign (1). Last evaluated 2024-11-16.

Allele frequency attached by ClinVar (database versions not stated): gnomAD 0.00007 and 0.00010; TOPMed 0.00011; ExAC 0.00015; gnomAD exomes 0.00015; 1000 Genomes Project 30x 0.00078; 1000 Genomes Project 0.00100.
gnomAD v4.1: 91 of 1,613,250 alleles (0.0056%); highest among the groups gnomAD compares: East Asian, 0.076%; no homozygotes.

Submissions (2):

Labcorp Genetics (formerly Invitae), Labcorp
Classification: Likely benign. Last evaluated: 2024-11-16. Review status: criteria provided, single submitter. Criteria: Invitae Variant Classification Sherloc (09022015). Collection method: clinical testing. Allele origin: germline.

ARUP Laboratories, Molecular Genetics and Genomics, ARUP Laboratories
Classification: Uncertain significance. Last evaluated: 2018-02-16. Review status: criteria provided, single submitter. Criteria: ARUP Molecular Germline Variant Investigation Process. Collection method: clinical testing. Allele origin: germline.
Comment: The EIF2AK4 c.668C>G; p.Ala223Gly was reported in one individual in a study of PAH patients and tentatively classified as likely benign by the authors (Best 2017). This variant is listed in the genome Aggregation Database (gnomAD) with an East Asian population frequency of 0.1% (identified on 26 out of 18,812 chromosomes). The alanine at position 223 is weakly conserved, considering 12 species, and computational analyses of the effects of the p.Ala223Gly variant on protein structure and function do not predict a deleterious effect (SIFT: tolerated, PolyPhen-2: benign). Based on the available information, the clinical significance of the p.Ala223Gly variant cannot be determined with certainty.